The following is an entry in ClinVar:

NM_006231.4(POLE):c.6004+3A>T

Gene: POLE (DNA polymerase epsilon, catalytic subunit; minus strand). Cytogenetic location: 12q24.33.
Variant type: single nucleotide variant.
Coding change: c.6004+3A>T on transcript NM_006231.4 (MANE Select); 3 bases into the intron after coding-DNA position 6004, A replaced by T.
Molecular consequence: intron variant.
Genome position (GRCh38, 1-based): chr12:132,634,183, T>A on the plus strand (A>T on the coding strand, the complement: POLE is on the minus strand). VCF-style: chr12-132634183-T-A. GRCh37 (hg19) VCF-style: chr12-133210769-T-A.
Identifiers: ClinVar variation 826125 (VCV000826125.6), dbSNP rs1593711821, ClinGen allele CA915946798.

ClinVar aggregate classification (germline): Uncertain significance. Review status: criteria provided, multiple submitters, no conflicts (2 of 4 stars). 2 submissions from 2 submitters: Uncertain significance (2). Last evaluated 2024-02-01.

Conditions:
Hereditary cancer-predisposing syndrome. Also called: Neoplastic Syndromes, Hereditary; Tumor predisposition; Hereditary neoplastic syndrome; Hereditary Cancer Syndrome. Identifiers: Orphanet 140162, MedGen C0027672, MeSH D009386, MONDO:0015356.

Submissions (2):

Labcorp Genetics (formerly Invitae), Labcorp
Classification: Uncertain significance. Last evaluated: 2024-02-01. Review status: criteria provided, single submitter. Criteria: Invitae Variant Classification Sherloc (09022015). Collection method: clinical testing. Allele origin: germline.
Comment: This sequence change falls in intron 43 of the POLE gene. It does not directly change the encoded amino acid sequence of the POLE protein. RNA analysis indicates that this variant induces altered splicing and may result in an absent or disrupted protein product. This variant is not present in population databases (gnomAD no frequency). This variant has not been reported in the literature in individuals affected with POLE-related conditions. ClinVar contains an entry for this variant (Variation ID: 826125). Variants that disrupt the consensus splice site are a relatively common cause of aberrant splicing (PMID: 17576681, 9536098). Studies have shown that this variant results in skipping of exon 43 and introduces a premature termination codon (Invitae). The resulting mRNA is expected to undergo nonsense-mediated decay. In summary, the available evidence is currently insufficient to determine the role of this variant in disease. Therefore, it has been classified as a Variant of Uncertain Significance.

Ambry Genetics
Classification: Uncertain significance for Hereditary cancer-predisposing syndrome. Last evaluated: 2019-02-21. Review status: criteria provided, single submitter. Criteria: Ambry Variant Classification Scheme 2023. Collection method: clinical testing. Allele origin: germline.
Comment: The c.6004+3A>T intronic variant results from an A to T substitution 3 nucleotides after coding exon 43 in the POLE gene. This nucleotide position is poorly conserved in available vertebrate species. Using two different splice site prediction tools, this alteration is predicted by ESEfinder to weaken the efficiency of the native splice donor site, but is not predicted to have a deleterious effect on this splice donor site by BDGP; however, direct evidence is unavailable. Since supporting evidence is limited at this time, the clinical significance of this alteration remains unclear.

Literature cited by the submitters: PubMed 17576681 (cited by Labcorp Genetics (formerly Invitae), Labcorp); PubMed 9536098 (cited by Labcorp Genetics (formerly Invitae), Labcorp).